The following is an entry in ClinVar:

NM_198428.3(BBS9):c.2245G>C (p.Val749Leu)

Gene: BBS9 (Bardet-Biedl syndrome 9; plus strand). Cytogenetic location: 7p14.3.
Variant type: single nucleotide variant.
Coding change: c.2245G>C on transcript NM_198428.3 (MANE Select); coding-DNA position 2245, G replaced by C.
Protein change: p.Val749Leu; replaces valine 749 with leucine.
Molecular consequence: missense variant. On other transcripts: non-coding transcript variant (3), intron variant (1).
Genome position (GRCh38, 1-based): chr7:33,505,592, G>C. VCF-style: chr7-33505592-G-C. GRCh37 (hg19) VCF-style: chr7-33545204-G-C.
Other names: c.2140G>C, p.Val714Leu (NM_001033604.2); c.2230G>C, p.Val744Leu (NM_001033605.2); c.2245G>C, p.Val749Leu (NM_001348036.1, NM_001348041.4, NM_001348043.3 and 1 more transcripts); c.1972G>C, p.Val658Leu (NM_001348038.3); c.1867G>C, p.Val623Leu (NM_001348039.3); c.2125G>C, p.Val709Leu (NM_001348040.3, NM_014451.4); c.2110G>C, p.Val704Leu (NM_001348042.3); c.1774G>C, p.Val592Leu (NM_001348044.3); and 2 more; short protein forms V749L, V627L, V592L, V704L, V623L, V658L, V709L, V714L.
Identifiers: ClinVar variation 567931 (VCV000567931.11), dbSNP rs1563271285, ClinGen allele CA367256094.

ClinVar aggregate classification (germline): Uncertain significance. Review status: criteria provided, multiple submitters, no conflicts (2 of 4 stars). 4 submissions from 4 submitters: Uncertain significance (4). Last evaluated 2025-08-03.

Conditions:
BBS9-related disorder. Also called: BBS9-related condition.
Inborn genetic diseases. Identifiers: MedGen C0950123, MeSH D030342.
Bardet-Biedl syndrome (BBS). Identifiers: Orphanet 110, MedGen C0752166, MONDO:0015229.

Allele frequency attached by ClinVar (database versions not stated): gnomAD exomes below 0.00001.
gnomAD v4.1: 2 of 1,614,064 alleles (0.00012%); highest among the groups gnomAD compares: Non-Finnish European, 0.00017%; no homozygotes.

Submissions (4):

PreventionGenetics, part of Exact Sciences
Classification: Uncertain significance for BBS9-related condition. Last evaluated: 2025-08-03. Review status: criteria provided, single submitter. Criteria: ACMG Guidelines, 2015. Collection method: clinical testing. Allele origin: germline.
Comment: The BBS9 c.2245G>C variant is predicted to result in the amino acid substitution p.Val749Leu. To our knowledge, this variant has not been reported in the literature or in a large population database (gnomAD), indicating this variant is rare. At this time, the clinical significance of this variant is uncertain due to the absence of conclusive functional and genetic evidence.

Blueprint Genetics
Classification: Uncertain significance. Last evaluated: 2024-10-04. Review status: criteria provided, single submitter. Criteria: ACMG Guidelines, 2015. Collection method: clinical testing. Allele origin: germline.

Ambry Genetics
Classification: Uncertain significance for Inborn genetic diseases. Last evaluated: 2022-09-26. Review status: criteria provided, single submitter. Criteria: Ambry Variant Classification Scheme 2023. Collection method: clinical testing. Allele origin: germline.

Labcorp Genetics (formerly Invitae), Labcorp
Classification: Uncertain significance for Bardet-Biedl syndrome. Last evaluated: 2021-02-09. Review status: criteria provided, single submitter. Criteria: Invitae Variant Classification Sherloc (09022015). Collection method: clinical testing. Allele origin: germline.
Comment: In summary, the available evidence is currently insufficient to determine the role of this variant in disease. Therefore, it has been classified as a Variant of Uncertain Significance. Algorithms developed to predict the effect of missense changes on protein structure and function do not agree on the potential impact of this missense change (SIFT: "Deleterious"; PolyPhen-2: "Benign"; Align-GVGD: "Class C0"). This variant has not been reported in the literature in individuals with BBS9-related disease. This variant is not present in population databases (ExAC no frequency). This sequence change replaces valine with leucine at codon 749 of the BBS9 protein (p.Val749Leu). The valine residue is highly conserved and there is a small physicochemical difference between valine and leucine.